The following is an entry in ClinVar:

ClinVar aggregate classification (germline): Uncertain significance. Review status: criteria provided, multiple submitters, no conflicts (2 of 4 stars). 3 submissions from 3 submitters: Uncertain significance (3). Last evaluated 2022-10-07.

Conditions:
Joubert syndrome. Also called: JOUBERT-BOLTSHAUSER SYNDROME; Familial aplasia of the vermis. Identifiers: Orphanet 475, MedGen C5979921, MONDO:0018772.
Meckel-Gruber syndrome. Also called: Dysencephalia splachnocystica; GRUBER SYNDROME; DYSENCEPHALIA SPLANCHNOCYSTICA. Identifiers: Orphanet 564, MedGen C0265215, MONDO:0018921.

Allele frequency attached by ClinVar (database versions not stated): gnomAD 0.00004 and 0.00020; ESP Exome Variant Server 0.00008; TOPMed 0.00031.
gnomAD v4.1: 57 of 1,613,166 alleles (0.0035%); highest among the groups gnomAD compares: African/African-American, 0.0027%; no homozygotes.

Submissions (3):

Blueprint Genetics
Classification: Uncertain significance. Last evaluated: 2022-10-07. Review status: criteria provided, single submitter. Criteria: ACMG Guidelines, 2015. Collection method: clinical testing. Allele origin: germline.

Labcorp Genetics (formerly Invitae), Labcorp
Classification: Uncertain significance for Joubert syndrome; Meckel-Gruber syndrome. Last evaluated: 2022-06-15. Review status: criteria provided, single submitter. Criteria: Invitae Variant Classification Sherloc (09022015). Collection method: clinical testing. Allele origin: germline.
Comment: This sequence change replaces glycine, which is neutral and non-polar, with serine, which is neutral and polar, at codon 586 of the TCTN2 protein (p.Gly586Ser). This variant is present in population databases (rs199543783, gnomAD 0.008%). This variant has not been reported in the literature in individuals affected with TCTN2-related conditions. ClinVar contains an entry for this variant (Variation ID: 1311709). Algorithms developed to predict the effect of missense changes on protein structure and function are either unavailable or do not agree on the potential impact of this missense change (SIFT: "Tolerated"; PolyPhen-2: "Possibly Damaging"; Align-GVGD: "Class C0"). In summary, the available evidence is currently insufficient to determine the role of this variant in disease. Therefore, it has been classified as a Variant of Uncertain Significance.

GeneDx
Classification: Uncertain significance. Last evaluated: 2019-12-30. Review status: criteria provided, single submitter. Criteria: GeneDx Variant Classification Process June 2021. Collection method: clinical testing. Allele origin: germline. Affected: yes.
Comment: Not observed at a significant frequency in large population cohorts (Lek et al., 2016); In silico analysis, which includes protein predictors and evolutionary conservation, supports a deleterious effect; Has not been previously published as pathogenic or benign to our knowledge

NM_024809.5(TCTN2):c.1756G>A (p.Gly586Ser)

Gene: TCTN2 (tectonic family member 2; plus strand). Cytogenetic location: 12q24.31.
Variant type: single nucleotide variant.
Coding change: c.1756G>A on transcript NM_024809.5 (MANE Select); coding-DNA position 1756, G replaced by A.
Protein change: p.Gly586Ser; replaces glycine 586 with serine.
Molecular consequence: missense variant.
Genome position (GRCh38, 1-based): chr12:123,704,675, G>A. VCF-style: chr12-123704675-G-A. GRCh37 (hg19) VCF-style: chr12-124189222-G-A.
Other names: c.1753G>A, p.Gly585Ser (NM_001143850.3); short protein forms G585S, G586S.
Identifiers: ClinVar variation 1311709 (VCV001311709.8), dbSNP rs199543783, ClinGen allele CA6861325.